The following is an entry in ClinVar:

ClinVar aggregate classification (germline): Uncertain significance (1 of 4 stars; one submission).

Conditions:
Hereditary cancer-predisposing syndrome. Also called: Tumor predisposition; Hereditary Cancer Syndrome; Hereditary neoplastic syndrome; Neoplastic Syndromes, Hereditary. Identifiers: Orphanet 140162, MedGen C0027672, MeSH D009386, MONDO:0015356.

Submission:

Ambry Genetics
Classification: Uncertain significance for Hereditary cancer-predisposing syndrome. Last evaluated: 2023-07-01. Review status: criteria provided, single submitter. Criteria: Ambry Variant Classification Scheme 2023. Collection method: clinical testing. Allele origin: germline.
Comment: The p.T1716I variant (also known as c.5147C>T), located in coding exon 33 of the ATM gene, results from a C to T substitution at nucleotide position 5147. The threonine at codon 1716 is replaced by isoleucine, an amino acid with similar properties. This amino acid position is conserved. In addition, this alteration is predicted to be tolerated by in silico analysis. Since supporting evidence is limited at this time, the clinical significance of this alteration remains unclear.

NM_000051.4(ATM):c.5147C>T (p.Thr1716Ile)

Gene: ATM (ATM serine/threonine kinase; plus strand). Cytogenetic location: 11q22.3.
Variant type: single nucleotide variant.
Coding change: c.5147C>T on transcript NM_000051.4 (MANE Select); coding-DNA position 5147, C replaced by T.
Protein change: p.Thr1716Ile; replaces threonine 1716 with isoleucine.
Molecular consequence: missense variant.
Genome position (GRCh38, 1-based): chr11:108,299,855, C>T. VCF-style: chr11-108299855-C-T. GRCh37 (hg19) VCF-style: chr11-108170582-C-T.
Other names: c.5147C>T, p.Thr1716Ile (NM_001351834.2); short protein forms T1716I.
Identifiers: ClinVar variation 2587773 (VCV002587773.2), dbSNP rs769232698, ClinGen allele CA382541019.
Genomic context (GRCh38, chr11:108,299,855, plus strand): 5'-ATACCAAGGCCCTTAAGTTATTTGAAGATAAAGAACTTCAGTGGACCTTCATAATGCTGA[C>T]CTACCTGAATAACACACTGGTAGAAGATTGGTGAGTATTTATTGATACCTTATATGTAAT-3'
Protein context (NP_000042.3, residues 1706-1726): KELQWTFIML[Thr1716Ile]YLNNTLVEDC